The following is an entry in ClinVar:

ClinVar aggregate classification (germline): Uncertain significance (1 of 4 stars; one submission).

Conditions:
Familial cancer of breast. Also called: BREAST CANCER, FAMILIAL; Hereditary breast cancer; hereditary breast carcinoma. Identifiers: Orphanet 227535, MedGen C0346153, MONDO:0016419, OMIM 114480. Disease mechanism: loss of function.

Submission:

Labcorp Genetics (formerly Invitae), Labcorp
Classification: Uncertain significance for Familial cancer of breast. Last evaluated: 2024-08-06. Review status: criteria provided, single submitter. Criteria: Invitae Variant Classification Sherloc (09022015). Collection method: clinical testing. Allele origin: germline.
Comment: This sequence change replaces serine, which is neutral and polar, with proline, which is neutral and non-polar, at codon 701 of the PALB2 protein (p.Ser701Pro). This variant is not present in population databases (gnomAD no frequency). This variant has not been reported in the literature in individuals affected with PALB2-related conditions. ClinVar contains an entry for this variant (Variation ID: 957676). Advanced modeling of protein sequence and biophysical properties (such as structural, functional, and spatial information, amino acid conservation, physicochemical variation, residue mobility, and thermodynamic stability) performed at Invitae indicates that this missense variant is not expected to disrupt PALB2 protein function with a negative predictive value of 80%. In summary, the available evidence is currently insufficient to determine the role of this variant in disease. Therefore, it has been classified as a Variant of Uncertain Significance.

NM_024675.4(PALB2):c.2101T>C (p.Ser701Pro)

Gene: PALB2 (partner and localizer of BRCA2; minus strand). Cytogenetic location: 16p12.2.
Variant type: single nucleotide variant.
Coding change: c.2101T>C on transcript NM_024675.4 (MANE Select); coding-DNA position 2101, T replaced by C.
Protein change: p.Ser701Pro; replaces serine 701 with proline.
Molecular consequence: missense variant.
Genome position (GRCh38, 1-based): chr16:23,630,053, A>G on the plus strand (T>C on the coding strand, the complement: PALB2 is on the minus strand). VCF-style: chr16-23630053-A-G. GRCh37 (hg19) VCF-style: chr16-23641374-A-G.
Other names: short protein forms S701P.
Identifiers: ClinVar variation 957676 (VCV000957676.10), dbSNP rs1966860532, ClinGen allele CA395125795.
Genomic context (GRCh38, chr16:23,630,053, plus strand): 5'-TGGTAGGCCTGTCATTATCATCAGGCGCAACCGTATTTAAAGGAGTATAAAGTAATATGG[A>G]TGAAGAAAGGCCCGTCTTTGTATGCTGGCTTTGCGAGTTTGGCCTTTTGGGATGTGATTT-3'
Protein context (NP_078951.2, residues 691-711): SQHTKTGLSS[Ser701Pro]ILLYTPLNTV